The following is an entry in ClinVar:

NM_006031.6(PCNT):c.6425T>C (p.Ile2142Thr)

Gene: PCNT (pericentrin; plus strand). Cytogenetic location: 21q22.3.
Variant type: single nucleotide variant.
Coding change: c.6425T>C on transcript NM_006031.6 (MANE Select); coding-DNA position 6425, T replaced by C.
Protein change: p.Ile2142Thr; replaces isoleucine 2142 with threonine.
Molecular consequence: missense variant.
Genome position (GRCh38, 1-based): chr21:46,416,343, T>C. VCF-style: chr21-46416343-T-C. GRCh37 (hg19) VCF-style: chr21-47836257-T-C.
Other names: c.6071T>C, p.Ile2024Thr (NM_001315529.2); c.6425T>C (NM_006031.5); short protein forms I2024T, I2142T.
Identifiers: ClinVar variation 1395225 (VCV001395225.7), dbSNP rs373849607, ClinGen allele CA10080329.
Genomic context (GRCh38, chr21:46,416,343, plus strand): 5'-TATCACCCCACATAGACACATGTGATGCCAATACAGCCACGGGGGGTGTAACTGATGTTA[T>C]CAAAAATCAGGCCATAGACGCGTGTGATGCCAATACAACCCCAGGGGGTGTAACTGATGT-3'
Protein context (NP_006022.3, residues 2132-2152): NTATGGVTDV[Ile2142Thr]KNQAIDACDA

ClinVar aggregate classification (germline): Uncertain significance. Review status: criteria provided, multiple submitters, no conflicts (2 of 4 stars). 3 submissions from 3 submitters: Uncertain significance (3). Last evaluated 2026-05-07.

Conditions:
PCNT-related disorder. Also called: PCNT-related condition.
Inborn genetic diseases. Identifiers: MedGen C0950123, MeSH D030342.

Allele frequency attached by ClinVar (database versions not stated): gnomAD 0.00006 and 0.00007; TOPMed 0.00007; gnomAD exomes 0.00010 and 0.00015; ESP Exome Variant Server 0.00015; ExAC 0.00020.
gnomAD v4.1: 157 of 1,613,858 alleles (0.0097%); highest among the groups gnomAD compares: Non-Finnish European, 0.013%; no homozygotes.

Submissions (3):

PreventionGenetics, part of Exact Sciences
Classification: Uncertain significance for PCNT-related condition. Last evaluated: 2026-05-07. Review status: criteria provided, single submitter. Criteria: ACMG Guidelines, 2015. Collection method: clinical testing. Allele origin: germline.
Comment: The PCNT c.6425T>C variant is predicted to result in the amino acid substitution p.Ile2142Thr. To our knowledge, this variant has not been reported in the literature. This variant is reported in 0.032% of alleles in individuals of European (Non-Finnish) descent in gnomAD. At this time, the clinical significance of this variant is uncertain due to the absence of conclusive functional and genetic evidence.

Ambry Genetics
Classification: Uncertain significance for Inborn genetic diseases. Last evaluated: 2025-01-21. Review status: criteria provided, single submitter. Criteria: Ambry Variant Classification Scheme 2023. Collection method: clinical testing. Allele origin: germline.

Labcorp Genetics (formerly Invitae), Labcorp
Classification: Uncertain significance. Last evaluated: 2022-10-13. Review status: criteria provided, single submitter. Criteria: Invitae Variant Classification Sherloc (09022015). Collection method: clinical testing. Allele origin: germline.
Comment: This sequence change replaces isoleucine, which is neutral and non-polar, with threonine, which is neutral and polar, at codon 2142 of the PCNT protein (p.Ile2142Thr). This variant is present in population databases (rs373849607, gnomAD 0.03%). This variant has not been reported in the literature in individuals affected with PCNT-related conditions. ClinVar contains an entry for this variant (Variation ID: 1395225). Algorithms developed to predict the effect of missense changes on protein structure and function are either unavailable or do not agree on the potential impact of this missense change (SIFT: "Tolerated"; PolyPhen-2: "Possibly Damaging"; Align-GVGD: "Class C0"). In summary, the available evidence is currently insufficient to determine the role of this variant in disease. Therefore, it has been classified as a Variant of Uncertain Significance.